The following is an entry in ClinVar:

ClinVar aggregate classification (germline): Uncertain significance (1 of 4 stars; one submission).

Conditions:
Developmental and epileptic encephalopathy, 11 (DEE11). Also called: Early infantile epileptic encephalopathy 11. Identifiers: Orphanet 1934, MedGen C3150987, MONDO:0013388, OMIM 613721.
Seizures, benign familial infantile, 3 (BFIS3). Also called: CONVULSIONS, BENIGN FAMILIAL INFANTILE, 3; Familial neonatal seizures. Identifiers: Orphanet 140927, Orphanet 306, MedGen C1843140, MONDO:0011904, OMIM 607745.

Allele frequency attached by ClinVar (database versions not stated): gnomAD exomes below 0.00001; TOPMed below 0.00001; gnomAD 0.00001.
gnomAD v4.1: 4 of 1,612,382 alleles (0.00025%); highest among the groups gnomAD compares: East Asian, 0.0067%; no homozygotes.

Submission:

Labcorp Genetics (formerly Invitae), Labcorp
Classification: Uncertain significance for Seizures, benign familial infantile, 3; Developmental and epileptic encephalopathy, 11. Last evaluated: 2023-07-27. Review status: criteria provided, single submitter. Criteria: Invitae Variant Classification Sherloc (09022015). Collection method: clinical testing. Allele origin: germline.
Comment: In summary, the available evidence is currently insufficient to determine the role of this variant in disease. Therefore, it has been classified as a Variant of Uncertain Significance. Advanced modeling of protein sequence and biophysical properties (such as structural, functional, and spatial information, amino acid conservation, physicochemical variation, residue mobility, and thermodynamic stability) performed at Invitae indicates that this missense variant is not expected to disrupt SCN2A protein function. This missense change has been observed in individual(s) with SCN2A-related conditions (PMID: 26311622). This variant is present in population databases (no rsID available, gnomAD no frequency). This sequence change replaces isoleucine, which is neutral and non-polar, with valine, which is neutral and non-polar, at codon 172 of the SCN2A protein (p.Ile172Val).

Literature cited by the submitters: PubMed 26311622.

NM_001040142.2(SCN2A):c.514A>G (p.Ile172Val)

Gene: SCN2A (sodium voltage-gated channel alpha subunit 2; plus strand). Cytogenetic location: 2q24.3.
Variant type: single nucleotide variant.
Coding change: c.514A>G on transcript NM_001040142.2 (MANE Select); coding-DNA position 514, A replaced by G.
Protein change: p.Ile172Val; replaces isoleucine 172 with valine.
Molecular consequence: missense variant.
Genome position (GRCh38, 1-based): chr2:165,308,703, A>G. VCF-style: chr2-165308703-A-G. GRCh37 (hg19) VCF-style: chr2-166165213-A-G.
Other names: c.514A>G, p.Ile172Val (NM_001040143.2, NM_001371246.1, NM_001371247.1 and 1 more transcripts); short protein forms I172V.
Identifiers: ClinVar variation 2925325 (VCV002925325.3), dbSNP rs1376337813, ClinGen allele CA349016117.